The following is an entry in ClinVar:

ClinVar aggregate classification (germline): Likely benign (1 of 4 stars; one submission).

gnomAD v4.1: 38 of 1,595,998 alleles (0.0024%); highest among the groups gnomAD compares: Middle Eastern, 0.017%; no homozygotes.

Submission:

CeGaT Center for Human Genetics Tuebingen
Classification: Likely benign. Last evaluated: 2026-07-01. Review status: criteria provided, single submitter. Criteria: CeGaT Center For Human Genetics Tuebingen Variant Classification Criteria Version 2. Collection method: clinical testing. Allele origin: germline. Affected: yes. Observed: 1 variant allele.
Comment: DOT1L: BP4, BP7

NM_032482.3(DOT1L):c.2376C>T (p.Pro792=)

Gene: DOT1L (DOT1 like histone lysine methyltransferase; plus strand). Cytogenetic location: 19p13.3.
Variant type: single nucleotide variant.
Coding change: c.2376C>T on transcript NM_032482.3 (MANE Select); coding-DNA position 2376, C replaced by T.
Protein change: p.Pro792=; no amino-acid change (proline 792 retained).
Molecular consequence: synonymous variant.
Genome position (GRCh38, 1-based): chr19:2,216,733, C>T. VCF-style: chr19-2216733-C-T. GRCh37 (hg19) VCF-style: chr19-2216732-C-T.
Other names: c.2376C>T, p.Pro792= (NM_001411141.1).
Identifiers: ClinVar variation 5038970 (VCV005038970.1).